The following is an entry in ClinVar:

NM_014319.5(LEMD3):c.308C>T (p.Thr103Ile)

Genes: LEMD3 (LEM domain containing 3; plus strand), LOC130008224 (ATAC-STARR-seq lymphoblastoid silent region 4630; plus strand). Cytogenetic location: 12q14.3.
Variant type: single nucleotide variant.
Coding change: c.308C>T on transcript NM_014319.5 (MANE Select); coding-DNA position 308, C replaced by T.
Protein change: p.Thr103Ile; replaces threonine 103 with isoleucine.
Molecular consequence: missense variant.
Genome position (GRCh38, 1-based): chr12:65,169,904, C>T. VCF-style: chr12-65169904-C-T. GRCh37 (hg19) VCF-style: chr12-65563684-C-T.
Other names: c.308C>T, p.Thr103Ile (NM_001167614.2); short protein forms T103I.
Identifiers: ClinVar variation 3631026 (VCV003631026.2).
Genomic context (GRCh38, chr12:65,169,904, plus strand): 5'-CGGCGGCGGCCGCGGGGATGGGGGTCCGGCCGGTCTCGGGCGACCTCTCCTACTTACGGA[C>T]TCCTGGGGGCCTGTGCCGAATCTCGGCCTCTGGCCCAGAGAGCCTCCTGGGAGGGCCCGG-3'
Protein context (NP_055134.2, residues 93-113): PVSGDLSYLR[Thr103Ile]PGGLCRISAS

ClinVar aggregate classification (germline): Uncertain significance (1 of 4 stars; one submission).

Submission:

Labcorp Genetics (formerly Invitae), Labcorp
Classification: Uncertain significance. Last evaluated: 2024-10-12. Review status: criteria provided, single submitter. Criteria: Invitae Variant Classification Sherloc (09022015). Collection method: clinical testing. Allele origin: germline.
Comment: This sequence change replaces threonine, which is neutral and polar, with isoleucine, which is neutral and non-polar, at codon 103 of the LEMD3 protein (p.Thr103Ile). This variant is not present in population databases (gnomAD no frequency). This variant has not been reported in the literature in individuals affected with LEMD3-related conditions. An algorithm developed to predict the effect of missense changes on protein structure and function (PolyPhen-2) suggests that this variant is likely to be tolerated. In summary, the available evidence is currently insufficient to determine the role of this variant in disease. Therefore, it has been classified as a Variant of Uncertain Significance.